The following is an entry in ClinVar:

NM_020778.5(ALPK3):c.182+1G>A

Gene: ALPK3 (alpha kinase 3; plus strand). Cytogenetic location: 15q25.3.
Variant type: single nucleotide variant.
Coding change: c.182+1G>A on transcript NM_020778.5 (MANE Select); the canonical splice donor site of the intron after coding-DNA position 182, G replaced by A.
Molecular consequence: splice donor variant.
Genome position (GRCh38, 1-based): chr15:84,823,369, G>A. VCF-style: chr15-84823369-G-A. GRCh37 (hg19) VCF-style: chr15-85366600-G-A.
Identifiers: ClinVar variation 1467434 (VCV001467434.8), dbSNP rs1963449829, ClinGen allele CA393370178.

ClinVar aggregate classification (germline): Conflicting classifications of pathogenicity. Review status: criteria provided, conflicting classifications (1 of 4 stars). 2 submissions from 2 submitters: Likely pathogenic (1); Uncertain significance (1). Last evaluated 2025-06-24.

Conditions:
Cardiovascular phenotype. Identifiers: MedGen CN230736.

Allele frequency attached by ClinVar (database versions not stated): gnomAD 0.00001; TOPMed 0.00001.
gnomAD v4.1: 1 of 1,613,958 alleles (0.000062%); highest among the groups gnomAD compares: African/African-American, 0.0013%; no homozygotes.

Submissions (2):

Labcorp Genetics (formerly Invitae), Labcorp
Classification: Likely pathogenic. Last evaluated: 2025-06-24. Review status: criteria provided, single submitter. Criteria: Invitae Variant Classification Sherloc (09022015). Collection method: clinical testing. Allele origin: germline.
Comment: This sequence change affects a donor splice site in intron 2 of the ALPK3 gene. It is expected to disrupt RNA splicing. Variants that disrupt the donor or acceptor splice site typically lead to a loss of protein function (PMID: 16199547), and loss-of-function variants in ALPK3 are known to be pathogenic (PMID: 21441111, 26846950, 27106955, 34263907). This variant is not present in population databases (gnomAD no frequency). This variant has not been reported in the literature in individuals affected with ALPK3-related conditions. ClinVar contains an entry for this variant (Variation ID: 1467434). Algorithms developed to predict the effect of sequence changes on RNA splicing suggest that this variant may disrupt the consensus splice site. In summary, the currently available evidence indicates that the variant is pathogenic, but additional data are needed to prove that conclusively. Therefore, this variant has been classified as Likely Pathogenic.

Ambry Genetics
Classification: Uncertain significance for Cardiovascular phenotype. Last evaluated: 2021-04-07. Review status: criteria provided, single submitter. Criteria: Ambry Variant Classification Scheme 2023. Collection method: clinical testing. Allele origin: germline.
Comment: The c.788+1G>A intronic variant results from a G to A substitution one nucleotide after coding exon 2 of the ALPK3 gene. Alterations that disrupt the canonical splice site are expected to cause aberrant splicing. In silico splice site analysis predicts that this alteration will weaken the native splice donor site. The resulting transcript is predicted to be in-frame and is not expected to trigger nonsense-mediated mRNA decay; however, direct evidence is unavailable. The exact functional effect of the missing amino acids is unknown. This nucleotide position is highly conserved in available vertebrate species. Since supporting evidence is limited at this time, the clinical significance of this alteration remains unclear.

Literature cited by the submitters: PubMed 16199547 (cited by Labcorp Genetics (formerly Invitae), Labcorp); PubMed 21441111 (cited by Labcorp Genetics (formerly Invitae), Labcorp); PubMed 26846950 (cited by Labcorp Genetics (formerly Invitae), Labcorp); PubMed 27106955 (cited by Labcorp Genetics (formerly Invitae), Labcorp); PubMed 34263907 (cited by Labcorp Genetics (formerly Invitae), Labcorp).